The following is an entry in ClinVar:

ClinVar aggregate classification (germline): Uncertain significance (1 of 4 stars; one submission).

gnomAD v4.1: 2 of 1,209,562 alleles (0.00017%); highest among the groups gnomAD compares: African/African-American, 0.0018%; no homozygotes.

Submission:

GeneDx
Classification: Uncertain significance. Last evaluated: 2025-05-03. Review status: criteria provided, single submitter. Criteria: GeneDx Variant Classification Process June 2021. Collection method: clinical testing. Allele origin: germline.
Comment: Not observed at significant frequency in large population cohorts (gnomAD); In silico analysis supports that this missense variant does not alter protein structure/function; Has not been previously published as pathogenic or benign to our knowledge

NM_004606.5(TAF1):c.490G>A (p.Gly164Ser)

Gene: TAF1 (TATA-box binding protein associated factor 1; plus strand). Cytogenetic location: Xq13.1.
Variant type: single nucleotide variant.
Coding change: c.490G>A on transcript NM_004606.5 (MANE Select); coding-DNA position 490, G replaced by A.
Protein change: p.Gly164Ser; replaces glycine 164 with serine.
Molecular consequence: missense variant. On other transcripts: non-coding transcript variant (9), intron variant (1).
Genome position (GRCh38, 1-based): chrX:71,376,967, G>A. VCF-style: chrX-71376967-G-A. GRCh37 (hg19) VCF-style: chrX-70596817-G-A.
Other names: c.490G>A, p.Gly164Ser (NM_001286074.2); c.473-46G>A (NM_138923.4); short protein forms G164S.
Identifiers: ClinVar variation 3342331 (VCV003342331.2).
Genomic context (GRCh38, chrX:71,376,967, plus strand): 5'-GTTCACAGTTACATGCCAAAGGGGTTTCTCTTCCTTGTTGCAGTGTCTGAAAATGGAGAA[G>A]GCATCATCTTGCCCTCCATCATTGCCCCTTCCTCTTTGGCCTCAGAGAAAGTGGACTTCA-3'
Protein context (NP_004597.3, residues 154-174): SITGVSENGE[Gly164Ser]IILPSIIAPS